The following is an entry in ClinVar:

ClinVar aggregate classification (germline): Uncertain significance (1 of 4 stars; one submission).

Submission:

Labcorp Genetics (formerly Invitae), Labcorp
Classification: Uncertain significance. Last evaluated: 2024-12-10. Review status: criteria provided, single submitter. Criteria: Invitae Variant Classification Sherloc (09022015). Collection method: clinical testing. Allele origin: germline.
Comment: This sequence change replaces leucine, which is neutral and non-polar, with glutamine, which is neutral and polar, at codon 247 of the POLD2 protein (p.Leu247Gln). This variant is not present in population databases (gnomAD no frequency). This variant has not been reported in the literature in individuals affected with POLD2-related conditions. Experimental studies and prediction algorithms are not available or were not evaluated, and the functional significance of this variant is currently unknown. In summary, the available evidence is currently insufficient to determine the role of this variant in disease. Therefore, it has been classified as a Variant of Uncertain Significance.

NM_006230.4(POLD2):c.635T>A (p.Leu212Gln)

Gene: POLD2 (DNA polymerase delta 2, accessory subunit; minus strand). Cytogenetic location: 7p13.
Variant type: single nucleotide variant.
Coding change: c.635T>A on transcript NM_006230.4 (MANE Select); coding-DNA position 635, T replaced by A.
Protein change: p.Leu212Gln; replaces leucine 212 with glutamine.
Molecular consequence: missense variant.
Genome position (GRCh38, 1-based): chr7:44,116,962, A>T on the plus strand (T>A on the coding strand, the complement: POLD2 is on the minus strand). VCF-style: chr7-44116962-A-T. GRCh37 (hg19) VCF-style: chr7-44156561-A-T.
Other names: c.635T>A, p.Leu212Gln (NM_001127218.3, NM_001256879.2); short protein forms L212Q.
Identifiers: ClinVar variation 3727016 (VCV003727016.2).